The following is an entry in ClinVar:

NM_017763.6(RNF43):c.1367G>A (p.Gly456Glu)

Gene: RNF43 (ring finger protein 43; minus strand). Cytogenetic location: 17q22.
Variant type: single nucleotide variant.
Coding change: c.1367G>A on transcript NM_017763.6 (MANE Select); coding-DNA position 1367, G replaced by A.
Protein change: p.Gly456Glu; replaces glycine 456 with glutamic acid.
Molecular consequence: missense variant.
Genome position (GRCh38, 1-based): chr17:58,358,409, C>T on the plus strand (G>A on the coding strand, the complement: RNF43 is on the minus strand). VCF-style: chr17-58358409-C-T. GRCh37 (hg19) VCF-style: chr17-56435770-C-T.
Other names: c.1367G>A, p.Gly456Glu (NM_001305544.3); c.986G>A, p.Gly329Glu (NM_001305545.2); short protein forms G329E, G456E.
Identifiers: ClinVar variation 3789959 (VCV003789959.1).

ClinVar aggregate classification (germline): Uncertain significance (1 of 4 stars; one submission).

Submission:

Ambry Genetics
Classification: Uncertain significance. Last evaluated: 2025-03-13. Review status: criteria provided, single submitter. Criteria: Ambry Variant Classification Scheme 2023. Collection method: clinical testing. Allele origin: germline.
Comment: The p.G456E variant (also known as c.1367G>A), located in coding exon 8 of the RNF43 gene, results from a G to A substitution at nucleotide position 1367. The glycine at codon 456 is replaced by glutamic acid, an amino acid with similar properties. This amino acid position is highly conserved in available vertebrate species. In addition, the in silico prediction for this alteration is inconclusive. Based on the available evidence, the clinical significance of this variant remains unclear.